The following is an entry in ClinVar:

ClinVar aggregate classification (germline): Likely benign. Review status: criteria provided, multiple submitters, no conflicts (2 of 4 stars). 2 submissions from 2 submitters: Likely benign (2). Last evaluated 2025-10-01.

Allele frequency attached by ClinVar (database versions not stated): TOPMed 0.00012.
gnomAD v4.1: 130 of 1,610,400 alleles (0.0081%); highest among the groups gnomAD compares: Admixed American, 0.03%; 1 homozygote.

Submissions (2):

CeGaT Center for Human Genetics Tuebingen
Classification: Likely benign. Last evaluated: 2025-10-01. Review status: criteria provided, single submitter. Criteria: CeGaT Center For Human Genetics Tuebingen Variant Classification Criteria Version 2. Collection method: clinical testing. Allele origin: germline. Affected: yes. Observed: 1 variant allele.
Comment: CASZ1: BP4, BS2

Labcorp Genetics (formerly Invitae), Labcorp
Classification: Likely benign. Last evaluated: 2025-03-31. Review status: criteria provided, single submitter. Criteria: Invitae Variant Classification Sherloc (09022015). Collection method: clinical testing. Allele origin: germline.

NM_001079843.3(CASZ1):c.232C>A (p.Arg78Ser)

Gene: CASZ1 (castor zinc finger 1; minus strand). Cytogenetic location: 1p36.22.
Variant type: single nucleotide variant.
Coding change: c.232C>A on transcript NM_001079843.3 (MANE Select); coding-DNA position 232, C replaced by A.
Protein change: p.Arg78Ser; replaces arginine 78 with serine.
Molecular consequence: missense variant.
Genome position (GRCh38, 1-based): chr1:10,665,356, G>T on the plus strand (C>A on the coding strand, the complement: CASZ1 is on the minus strand). VCF-style: chr1-10665356-G-T. GRCh37 (hg19) VCF-style: chr1-10725413-G-T.
Other names: c.232C>A, p.Arg78Ser (NM_017766.5); short protein forms R78S.
Identifiers: ClinVar variation 756100 (VCV000756100.10), dbSNP rs183516103, ClinGen allele CA585501.
Genomic context (GRCh38, chr1:10,665,356, plus strand): 5'-CGCTGTACTCCCCGTTCACCCACTTCTCGATCACTGCCCGTCTCTTGTCTTCCTCGCTGC[G>T]GGGGGCCCGGGCTGCCCCAGACTCAGGGCCACTGCGCTCTTGGTCCCGGGGCTGCGATGG-3'
Protein context (NP_001073312.1, residues 68-88): GPESGAARAP[Arg78Ser]SEEDKRRAVI